The following is an entry in ClinVar:

NM_000755.5(CRAT):c.881G>A (p.Arg294Lys)

Gene: CRAT (carnitine O-acetyltransferase; minus strand). Cytogenetic location: 9q34.11.
Variant type: single nucleotide variant.
Coding change: c.881G>A on transcript NM_000755.5 (MANE Select); coding-DNA position 881, G replaced by A.
Protein change: p.Arg294Lys; replaces arginine 294 with lysine.
Molecular consequence: missense variant.
Genome position (GRCh38, 1-based): chr9:129,100,614, C>T on the plus strand (G>A on the coding strand, the complement: CRAT is on the minus strand). VCF-style: chr9-129100614-C-T. GRCh37 (hg19) VCF-style: chr9-131862893-C-T.
Other names: c.818G>A, p.Arg273Lys (NM_001257363.3, NM_001346548.2, NM_004003.4); c.884G>A, p.Arg295Lys (NM_001346546.2); c.881G>A, p.Arg294Lys (NM_001346547.2); c.761G>A, p.Arg254Lys (NM_001346549.2); short protein forms R273K, R254K, R294K, R295K.
Identifiers: ClinVar variation 3269410 (VCV003269410.3).
Genomic context (GRCh38, chr9:129,100,614, plus strand): 5'-CTGCCGCCCCCATGCAGCATCTGGCCTGCCACGTGGCTGCGGTACACGTCTTCTGAGACC[C>T]TGGGCATGGTTGCATCTAGGCACACGGTGAAGATGCTCTTCTGGATGGAGCGCACGGAAT-3'
Protein context (NP_000746.3, residues 284-304): FTVCLDATMP[Arg294Lys]VSEDVYRSHV

ClinVar aggregate classification (germline): Uncertain significance. Review status: criteria provided, multiple submitters, no conflicts (2 of 4 stars). 2 submissions from 2 submitters: Uncertain significance (2). Last evaluated 2024-11-18.

gnomAD v4.1: 42 of 1,613,986 alleles (0.0026%); highest among the groups gnomAD compares: Non-Finnish European, 0.0034%; no homozygotes.

Submissions (2):

Labcorp Genetics (formerly Invitae), Labcorp
Classification: Uncertain significance. Last evaluated: 2024-11-18. Review status: criteria provided, single submitter. Criteria: Invitae Variant Classification Sherloc (09022015). Collection method: clinical testing. Allele origin: germline.
Comment: This sequence change replaces arginine, which is basic and polar, with lysine, which is basic and polar, at codon 294 of the CRAT protein (p.Arg294Lys). This variant is present in population databases (rs565710301, gnomAD 0.002%). This variant has not been reported in the literature in individuals affected with CRAT-related conditions. Invitae Evidence Modeling of protein sequence and biophysical properties (such as structural, functional, and spatial information, amino acid conservation, physicochemical variation, residue mobility, and thermodynamic stability) indicates that this missense variant is not expected to disrupt CRAT protein function with a negative predictive value of 80%. In summary, the available evidence is currently insufficient to determine the role of this variant in disease. Therefore, it has been classified as a Variant of Uncertain Significance.

Ambry Genetics
Classification: Uncertain significance. Last evaluated: 2024-05-16. Review status: criteria provided, single submitter. Criteria: Ambry Variant Classification Scheme 2023. Collection method: clinical testing. Allele origin: germline.